The following is an entry in ClinVar:

ClinVar aggregate classification (germline): Uncertain significance. Review status: criteria provided, multiple submitters, no conflicts (2 of 4 stars). 3 submissions from 3 submitters: Uncertain significance (3). Last evaluated 2025-12-26.

Conditions:
Familial thoracic aortic aneurysm and aortic dissection (TAAD). Also called: Thoracic aortic aneurysms and dissections. Identifiers: Orphanet 91387, MedGen C4707243, MONDO:0019625.
Loeys-Dietz syndrome 2 (LDS2). Also called: AORTIC ANEURYSM, FAMILIAL THORACIC 3; MARFAN SYNDROME, TYPE II; Marfan Syndrome type 2; Marfan like connective tissue disorder; MFS 2; TGFBR2-Related Loeys-Dietz Syndrome. Identifiers: Orphanet 284973, Orphanet 558, MedGen C2674574, MONDO:0012427, OMIM 610168.

Submissions (3):

Labcorp Genetics (formerly Invitae), Labcorp
Classification: Uncertain significance for Familial thoracic aortic aneurysm and aortic dissection. Last evaluated: 2025-12-26. Review status: criteria provided, single submitter. Criteria: Invitae Variant Classification Sherloc (09022015). Collection method: clinical testing. Allele origin: germline.
Comment: This sequence change replaces asparagine, which is neutral and polar, with serine, which is neutral and polar, at codon 33 of the TGFBR2 protein (p.Asn33Ser). This variant is not present in population databases (gnomAD no frequency). This variant has not been reported in the literature in individuals affected with TGFBR2-related conditions. ClinVar contains an entry for this variant (Variation ID: 1171653). Invitae Evidence Modeling of protein sequence and biophysical properties (such as structural, functional, and spatial information, amino acid conservation, physicochemical variation, residue mobility, and thermodynamic stability) has been performed for this missense variant. However, the output from this modeling did not meet the statistical confidence thresholds required to predict the impact of this variant on TGFBR2 protein function. In summary, the available evidence is currently insufficient to determine the role of this variant in disease. Therefore, it has been classified as a Variant of Uncertain Significance.

Color Diagnostics, LLC DBA Color Health
Classification: Uncertain significance for Familial thoracic aortic aneurysm and aortic dissection. Last evaluated: 2024-03-06. Review status: criteria provided, single submitter. Criteria: ACMG Guidelines, 2015. Collection method: clinical testing. Allele origin: germline.
Comment: This missense variant replaces asparagine with serine at codon 33 of the TGFBR2 protein. Computational prediction tool indicates that this variant may have a neutral impact on protein structure and function. To our knowledge, functional studies have not been reported for this variant. This variant has not been reported in individuals affected with TGFBR2-related disorders in the literature. This variant has not been identified in the general population by the Genome Aggregation Database (gnomAD). The available evidence is insufficient to determine the role of this variant in disease conclusively. Therefore, this variant is classified as a Variant of Uncertain Significance.

All of Us Research Program, National Institutes of Health
Classification: Uncertain significance for Loeys-Dietz syndrome 2. Last evaluated: 2023-12-18. Review status: criteria provided, single submitter. Criteria: ACMG Guidelines, 2015. Collection method: clinical testing. Allele origin: germline. Inheritance: Autosomal dominant inheritance. Observed: 1 variant allele, 1 heterozygote.
Comment: This missense variant replaces asparagine with serine at codon 33 of the TGFBR2 protein. Splice site prediction tools are inconclusive regarding the impact of this variant on RNA splicing. Computational prediction suggests that this variant may not impact protein structure and function (internally defined REVEL score threshold <= 0.5, PMID: 27666373). To our knowledge, functional studies have not been reported for this variant. This variant has not been reported in individuals affected with cardiovascular disorders in the literature. This variant has not been identified in the general population by the Genome Aggregation Database (gnomAD). The available evidence is insufficient to determine the role of this variant in disease conclusively. Therefore, this variant is classified as a Variant of Uncertain Significance.

This study involves interpretation of variants in research participants for the purpose of population health screening. Participant phenotype was not available at the time of variant classification. Additional details can be found in publication PMID: 35346344, PMCID: PMC8962531

NM_003242.6(TGFBR2):c.98A>G (p.Asn33Ser)

Gene: TGFBR2 (transforming growth factor beta receptor 2; plus strand). Cytogenetic location: 3p24.1.
Variant type: single nucleotide variant.
Coding change: c.98A>G on transcript NM_003242.6 (MANE Select); coding-DNA position 98, A replaced by G.
Protein change: p.Asn33Ser; replaces asparagine 33 with serine.
Molecular consequence: missense variant.
Genome position (GRCh38, 1-based): chr3:30,644,750, A>G. VCF-style: chr3-30644750-A-G. GRCh37 (hg19) VCF-style: chr3-30686242-A-G.
Other names: c.173A>G, p.Asn58Ser (NM_001024847.3, NM_001407126.1, NM_001407139.1); c.98A>G, p.Asn33Ser (NM_001407127.1, NM_001407130.1); c.125A>G, p.Asn42Ser (NM_001407128.1); c.-8A>G (NM_001407129.1, NM_001407132.1, NM_001407133.1 and 3 more transcripts); short protein forms N33S, N58S, N42S.
Identifiers: ClinVar variation 1171653 (VCV001171653.11), dbSNP rs2125404654, ClinGen allele CA351806295.